The following is an entry in ClinVar:

NM_174934.4(SCN4B):c.594-80A>C

Gene: SCN4B (sodium voltage-gated channel beta subunit 4; minus strand). Cytogenetic location: 11q23.3.
Variant type: single nucleotide variant.
Coding change: c.594-80A>C on transcript NM_174934.4 (MANE Select); 80 bases into the intron before coding-DNA position 594, A replaced by C.
Molecular consequence: intron variant.
Genome position (GRCh38, 1-based): chr11:118,137,200, T>G on the plus strand (A>C on the coding strand, the complement: SCN4B is on the minus strand). VCF-style: chr11-118137200-T-G. GRCh37 (hg19) VCF-style: chr11-118007915-T-G.
Other names: c.192-80A>C (NM_001142348.2); c.264-80A>C (NM_001142349.2).
Identifiers: ClinVar variation 673352 (VCV000673352.2), dbSNP rs66549461, ClinGen allele CA229485238.

ClinVar aggregate classification (germline): Benign. Review status: criteria provided, multiple submitters, no conflicts (2 of 4 stars). 2 submissions from 2 submitters: Benign (2). Last evaluated 2018-06-14.

Allele frequency attached by ClinVar (database versions not stated): gnomAD 0.02604; TOPMed 0.03041; 1000 Genomes Project 0.03295; 1000 Genomes Project 30x 0.03701.
gnomAD v4.1: 6,912 of 1,022,494 alleles (0.68%); highest among the groups gnomAD compares: African/African-American, 9.1%; 267 homozygotes.

Submissions (2):

GeneDx
Classification: Benign. Last evaluated: 2018-06-14. Review status: criteria provided, single submitter. Criteria: GeneDx Variant Classification (06012015). Collection method: clinical testing. Allele origin: germline. Affected: yes.
Comment: This variant is considered likely benign or benign based on one or more of the following criteria: it is a conservative change, it occurs at a poorly conserved position in the protein, it is predicted to be benign by multiple in silico algorithms, and/or has population frequency not consistent with disease.

Breakthrough Genomics
Classification: Benign. Review status: criteria provided, single submitter. Criteria: ACMG Guidelines, 2015. Collection method: not provided. Allele origin: germline. Inheritance: Autosomal dominant inheritance. Affected: yes.